The following is an entry in ClinVar:

ClinVar aggregate classification (germline): Likely pathogenic (1 of 4 stars; one submission).

Conditions:
Alexander disease (ALXDRD). Also called: Alexander's disease. Identifiers: Orphanet 58, MedGen C0270726, MONDO:0008752, OMIM 203450.

Allele frequency attached by ClinVar (database versions not stated): ExAC 0.00001.
gnomAD v4.1: 5 of 1,614,012 alleles (0.00031%); highest among the groups gnomAD compares: South Asian, 0.0011%; no homozygotes.

Submission:

Neuberg Centre For Genomic Medicine, NCGM
Classification: Likely pathogenic for Alexander disease. Review status: criteria provided, single submitter. Criteria: ACMG Guidelines, 2015. Collection method: clinical testing. Allele origin: germline. Inheritance: Autosomal dominant inheritance. Affected: yes.
Comment: The missense variant c.621G>T p.Glu207Asp in GFAP gene has not been reported previously as a pathogenic variant nor as a benign variant, to our knowledge. The p.Glu207Asp variant is reported with an allele frequency of 0.0004% in the gnomAD exomes database. This variant has not been reported to the ClinVar database. The amino acid change p.Glu207Asp in GFAP is predicted as conserved by GERP++ and PhyloP across 100 vertebrates. The amino acid Glu at position 207 is changed to a Asp changing protein sequence and it might alter its composition and physico-chemical properties. Other missense variants [c.619G>A p.Glu207Lys; c.619G>C p.Glu207Gln] on the same codon has been previously reported as de-novo in individuals affected with juvenile form of alexander disease Li et. al. 2005, suggesting that it might be a clinically significant residue. Another missense variant [c.628G>A p.Glu210Lys] in the same domain 1B rod domain of GFAP gene has been reported to be disease causing Li et. al. 2005; Quinlan et al. 2007. For these reasons, this variant has been classified as Likely Pathogenic.

NM_002055.5(GFAP):c.621G>T (p.Glu207Asp)

Gene: GFAP (glial fibrillary acidic protein; minus strand). Cytogenetic location: 17q21.31.
Variant type: single nucleotide variant.
Coding change: c.621G>T on transcript NM_002055.5 (MANE Select); coding-DNA position 621, G replaced by T.
Protein change: p.Glu207Asp; replaces glutamic acid 207 with aspartic acid.
Molecular consequence: missense variant.
Genome position (GRCh38, 1-based): chr17:44,913,428, C>A on the plus strand (G>T on the coding strand, the complement: GFAP is on the minus strand). VCF-style: chr17-44913428-C-A. GRCh37 (hg19) VCF-style: chr17-42990796-C-A.
Other names: c.621G>T, p.Glu207Asp (NM_001131019.3, NM_001242376.3, NM_001363846.2); short protein forms E207D.
Identifiers: ClinVar variation 3234940 (VCV003234940.1), dbSNP rs759844035, ClinGen allele CA8608895.